The following is an entry in ClinVar:

NM_006514.4(SCN10A):c.3134C>T (p.Pro1045Leu)

Genes: SCN10A (sodium voltage-gated channel alpha subunit 10; minus strand), LOC110121288 (VISTA enhancer hs2268; plus strand). Cytogenetic location: 3p22.2.
Variant type: single nucleotide variant.
Coding change: c.3134C>T on transcript NM_006514.4 (MANE Select); coding-DNA position 3134, C replaced by T.
Protein change: p.Pro1045Leu; replaces proline 1045 with leucine.
Molecular consequence: missense variant.
Genome position (GRCh38, 1-based): chr3:38,725,268, G>A on the plus strand (C>T on the coding strand, the complement: SCN10A is on the minus strand). VCF-style: chr3-38725268-G-A. GRCh37 (hg19) VCF-style: chr3-38766759-G-A.
Other names: c.2840C>T, p.Pro947Leu (NM_001293307.2); c.3131C>T, p.Pro1044Leu (NM_001293306.2); short protein forms P1044L, P1045L, P947L.
Identifiers: ClinVar variation 1727994 (VCV001727994.2), dbSNP rs2126000012, ClinGen allele CA352156760.

ClinVar aggregate classification (germline): Uncertain significance (1 of 4 stars; one submission).

Conditions:
Cardiovascular phenotype. Identifiers: MedGen CN230736.

gnomAD v4.1: 2 of 1,600,568 alleles (0.00012%); highest among the groups gnomAD compares: Non-Finnish European, 0.00017%; no homozygotes.

Submission:

Ambry Genetics
Classification: Uncertain significance for Cardiovascular phenotype. Last evaluated: 2021-04-21. Review status: criteria provided, single submitter. Criteria: Ambry Variant Classification Scheme 2023. Collection method: clinical testing. Allele origin: germline.
Comment: The p.P1045L variant (also known as c.3134C>T), located in coding exon 17 of the SCN10A gene, results from a C to T substitution at nucleotide position 3134. The proline at codon 1045 is replaced by leucine, an amino acid with similar properties. This amino acid position is not well conserved in available vertebrate species, and leucine is the reference amino acid in other vertebrate species. In addition, this alteration is predicted to be tolerated by in silico analysis. Since supporting evidence is limited at this time, the clinical significance of this alteration remains unclear.